The following is an entry in ClinVar:

NM_002223.4(ITPR2):c.2316C>T (p.Phe772=)

Gene: ITPR2 (inositol 1,4,5-trisphosphate receptor type 2; minus strand). Cytogenetic location: 12p11.23.
Variant type: single nucleotide variant.
Coding change: c.2316C>T on transcript NM_002223.4 (MANE Select); coding-DNA position 2316, C replaced by T.
Protein change: p.Phe772=; no amino-acid change (phenylalanine 772 retained).
Molecular consequence: synonymous variant.
Genome position (GRCh38, 1-based): chr12:26,656,425, G>A on the plus strand (C>T on the coding strand, the complement: ITPR2 is on the minus strand). VCF-style: chr12-26656425-G-A. GRCh37 (hg19) VCF-style: chr12-26809358-G-A.
Other names: c.2313C>T, p.Phe771= (NM_001414174.1); c.2316C>T, p.Phe772= (NM_001414175.1).
Identifiers: ClinVar variation 3046509 (VCV003046509.2), dbSNP rs191593356, ClinGen allele CA6489632.
Genomic context (GRCh38, chr12:26,656,425, plus strand): 5'-CTGGGGATCCCGGTCAACGTGCATGTGGAGCATGAGGCGACAGAAGGACGCTCGGAGGTC[G>A]AACGGCAGGCTCTCATCCGACACACACCGCAGGATCAGGTCTACAGACAGCTGTGTAGAA-3'
Protein context (NP_002214.2, residues 762-782): LRCVSDESLP[Phe772=]DLRASFCRLM

ClinVar aggregate classification (germline): Likely benign (0 of 4 stars; one submission).

Conditions:
ITPR2-related disorder. Also called: ITPR2-related condition.

Allele frequency attached by ClinVar (database versions not stated): ExAC 0.00004; gnomAD 0.00007; gnomAD exomes 0.00007; ESP Exome Variant Server 0.00008; TOPMed 0.00011; 1000 Genomes Project 0.00040; 1000 Genomes Project 30x 0.00047.
gnomAD v4.1: 118 of 1,614,206 alleles (0.0073%); highest among the groups gnomAD compares: Admixed American, 0.022%; no homozygotes.

Submission:

PreventionGenetics, part of Exact Sciences
Classification: Likely benign for ITPR2-related condition. Last evaluated: 2019-02-19. Review status: no assertion criteria provided. Collection method: clinical testing. Allele origin: germline.
Comment: This variant is classified as likely benign based on ACMG/AMP sequence variant interpretation guidelines (Richards et al. 2015 PMID: 25741868, with internal and published modifications).